The following is an entry in ClinVar:

ClinVar aggregate classification (germline): Uncertain significance (1 of 4 stars; one submission).

Conditions:
Hereditary cancer-predisposing syndrome. Also called: Tumor predisposition; Neoplastic Syndromes, Hereditary; Hereditary Cancer Syndrome; Hereditary neoplastic syndrome. Identifiers: Orphanet 140162, MedGen C0027672, MeSH D009386, MONDO:0015356.

Allele frequency attached by ClinVar (database versions not stated): gnomAD exomes below 0.00001.
gnomAD v4.1: 1 of 1,582,664 alleles (0.000063%); highest among the groups gnomAD compares: African/African-American, 0.0013%; no homozygotes.

Submission:

Ambry Genetics
Classification: Uncertain significance for Hereditary cancer-predisposing syndrome. Last evaluated: 2021-10-05. Review status: criteria provided, single submitter. Criteria: Ambry Variant Classification Scheme 2023. Collection method: clinical testing. Allele origin: germline.
Comment: The c.3093+5T>A intronic variant results from a T to A substitution 5 nucleotides after coding exon 18 in the DICER1 gene. This nucleotide position is not well conserved in available vertebrate species. In silico splice site analysis predicts that this alteration will not have any significant effect on splicing. Since supporting evidence is limited at this time, the clinical significance of this alteration remains unclear.

NM_177438.3(DICER1):c.3093+5T>A

Gene: DICER1 (dicer 1, ribonuclease III; minus strand). Cytogenetic location: 14q32.13.
Variant type: single nucleotide variant.
Coding change: c.3093+5T>A on transcript NM_177438.3 (MANE Select); 5 bases into the intron after coding-DNA position 3093, T replaced by A.
Molecular consequence: intron variant.
Genome position (GRCh38, 1-based): chr14:95,105,673, A>T on the plus strand (T>A on the coding strand, the complement: DICER1 is on the minus strand). VCF-style: chr14-95105673-A-T. GRCh37 (hg19) VCF-style: chr14-95572010-A-T.
Other names: c.3093+5T>A (NM_001291628.2, NM_030621.4, NM_001395677.1 and 12 more transcripts); c.2688+5T>A (NM_001395690.1, NM_001395687.1, NM_001395689.1 and 2 more transcripts); c.2811+5T>A (NM_001395686.1); c.2526+5T>A (NM_001395691.1); c.1410+5T>A (NM_001395697.1).
Identifiers: ClinVar variation 1727480 (VCV001727480.2), dbSNP rs2542771922, ClinGen allele CA2580089034.
Genomic context (GRCh38, chr14:95,105,673, plus strand): 5'-TTATCTTTAATAATCTTTAATACTCAAACAAATACTAAGTTATGCTAGTACAATTAACTC[A>T]TTACCTGTTTATTCTGCAGACTTTCCCATTTGGCTTTCCTCTTCTCAGCACTGCTTAAAG-3'